The following is an entry in ClinVar:

ClinVar aggregate classification (germline): Uncertain significance (1 of 4 stars; one submission).

Allele frequency attached by ClinVar (database versions not stated): TOPMed below 0.00001; gnomAD exomes 0.00001; ExAC 0.00002.
gnomAD v4.1: 7 of 1,614,046 alleles (0.00043%); highest among the groups gnomAD compares: Non-Finnish European, 0.00059%; no homozygotes.

Submission:

Labcorp Genetics (formerly Invitae), Labcorp
Classification: Uncertain significance. Last evaluated: 2025-01-06. Review status: criteria provided, single submitter. Criteria: Invitae Variant Classification Sherloc (09022015). Collection method: clinical testing. Allele origin: germline.
Comment: This sequence change replaces arginine, which is basic and polar, with serine, which is neutral and polar, at codon 340 of the KANK1 protein (p.Arg340Ser). This variant is present in population databases (rs767399253, gnomAD 0.003%). This variant has not been reported in the literature in individuals affected with KANK1-related conditions. ClinVar contains an entry for this variant (Variation ID: 1495092). An algorithm developed to predict the effect of missense changes on protein structure and function (PolyPhen-2) suggests that this variant is likely to be tolerated. In summary, the available evidence is currently insufficient to determine the role of this variant in disease. Therefore, it has been classified as a Variant of Uncertain Significance.

NM_015158.5(KANK1):c.1020A>C (p.Arg340Ser)

Gene: KANK1 (KN motif and ankyrin repeat domains 1; plus strand). Cytogenetic location: 9p24.3.
Variant type: single nucleotide variant.
Coding change: c.1020A>C on transcript NM_015158.5 (MANE Select); coding-DNA position 1020, A replaced by C.
Protein change: p.Arg340Ser; replaces arginine 340 with serine.
Molecular consequence: missense variant. On other transcripts: non-coding transcript variant (1).
Genome position (GRCh38, 1-based): chr9:711,786, A>C. VCF-style: chr9-711786-A-C. GRCh37 (hg19) VCF-style: chr9-711786-A-C.
Other names: c.1020A>C, p.Arg340Ser (NM_001256876.3, NM_001256877.3, NM_001354331.2 and 2 more transcripts); c.546A>C, p.Arg182Ser (NM_001354333.2, NM_001354335.2, NM_001354336.2 and 9 more transcripts); short protein forms R340S, R182S.
Identifiers: ClinVar variation 1495092 (VCV001495092.8), dbSNP rs767399253, ClinGen allele CA4960101.